The following is an entry in ClinVar:

NM_001283009.2(RTEL1):c.2021_2025+27dup

Genes: RTEL1 (regulator of telomere elongation helicase 1; plus strand), RTEL1-TNFRSF6B (RTEL1-TNFRSF6B readthrough (NMD candidate); plus strand). Cytogenetic location: 20q13.33.
Variant type: Duplication.
Coding change: c.2021_2025+27dup on transcript NM_001283009.2 (MANE Select); coding-DNA position 2021 through 27 bases into the intron after coding-DNA position 2025, 32 bases duplicated.
Molecular consequence: splice donor variant.
Genome position (GRCh38, 1-based): chr20:63,689,644-63,689,675, 32 bases duplicated; duplicating any 32 consecutive bases within chr20:63,689,628-63,689,675 gives the same sequence; the c. name uses the placement nearest the transcript's 3' end. GRCh37 (hg19): chr20:62,320,997-62,321,028.
Other names: c.1352_1356+27dup (NM_001283010.1); c.2093_2097+27dup (NM_032957.5); c.2021_2025+27dup (NM_016434.4).
Identifiers: ClinVar variation 3760615 (VCV003760615.2).
Genomic context (GRCh38, chr20:63,689,627, plus strand): 5'-CCCCCCACGCATGGACCCCCGGGTTGTCCTCAAGATGCAGTTCCTGGATGAGATGAAGGG[C>CCAGGGTGGGGCTGGGGGCCAGGTGAGTTACAG]CAGGGTGGGGCTGGGGGCCAGGTGAGTTACAGCAGGGTGGGGCTGGGGTAAGGCGGTCTG-3'

ClinVar aggregate classification (germline): Uncertain significance (1 of 4 stars; one submission).

Conditions:
Dyskeratosis congenita, autosomal recessive 5 (DKCB5). Identifiers: MedGen C3554656, MONDO:0014076, OMIM 615190.
Pulmonary fibrosis and/or bone marrow failure, Telomere-related, 3. Also called: PULMONARY FIBROSIS AND/OR BONE MARROW FAILURE SYNDROME, TELOMERE-RELATED, 3. Identifiers: Orphanet 2032, MedGen C4225346, MONDO:0014613, OMIM 616373.

Submission:

Labcorp Genetics (formerly Invitae), Labcorp
Classification: Uncertain significance for Dyskeratosis congenita, autosomal recessive 5; Pulmonary fibrosis and/or bone marrow failure, Telomere-related, 3. Last evaluated: 2024-09-03. Review status: criteria provided, single submitter. Criteria: Invitae Variant Classification Sherloc (09022015). Collection method: clinical testing. Allele origin: germline.
Comment: This sequence change falls in intron 23 of the RTEL1 gene. It does not directly change the encoded amino acid sequence of the RTEL1 protein. This variant is present in population databases (no rsID available, gnomAD 0.008%). This variant has not been reported in the literature in individuals affected with RTEL1-related conditions. Experimental studies and prediction algorithms are not available or were not evaluated, and the effect of this variant on mRNA splicing is currently unknown. In summary, the available evidence is currently insufficient to determine the role of this variant in disease. Therefore, it has been classified as a Variant of Uncertain Significance.